The following is an entry in ClinVar:

ClinVar aggregate classification (germline): Uncertain significance. Review status: criteria provided, multiple submitters, no conflicts (2 of 4 stars). 2 submissions from 2 submitters: Uncertain significance (2). Last evaluated 2025-10-31.

Conditions:
Hereditary sensory and autonomic neuropathy type 7. Also called: HSAN VII; Neuropathy, hereditary sensory and autonomic, type VII. Identifiers: Orphanet 391397, MedGen C3809882, MONDO:0014244, OMIM 615548.
Familial episodic pain syndrome with predominantly lower limb involvement. Also called: Episodic pain syndrome, familial, 3. Identifiers: Orphanet 391384, Orphanet 391392, MedGen C3809899, MONDO:0014247, OMIM 615552.

gnomAD v4.1: 10 of 1,611,574 alleles (0.00062%); highest among the groups gnomAD compares: Non-Finnish European, 0.00085%; no homozygotes.

Submissions (2):

Women's Health and Genetics/Laboratory Corporation of America, LabCorp
Classification: Uncertain significance. Last evaluated: 2025-10-31. Review status: criteria provided, single submitter. Criteria: LabCorp Variant Classification Summary - May 2015. Collection method: clinical testing. Allele origin: germline.
Comment: Variant summary: SCN11A c.3943C>T (p.Gln1315X) results in a premature termination codon, predicted to cause a truncation of the encoded protein or absence of the protein due to nonsense mediated decay, however current evidence is not sufficient to establish loss of function as a mechanism for disease. The variant was absent in 249138 control chromosomes. The available data on variant occurrences in the general population are insufficient to allow any conclusion about variant significance. To our knowledge, no occurrence of c.3943C>T in individuals affected with SCN11A-related conditions and no experimental evidence demonstrating its impact on protein function have been reported. ClinVar contains an entry for this variant (Variation ID: 3749666). Based on the evidence outlined above, the variant was classified as uncertain significance.

Labcorp Genetics (formerly Invitae), Labcorp
Classification: Uncertain significance for Familial episodic pain syndrome with predominantly lower limb involvement; Hereditary sensory and autonomic neuropathy type 7. Last evaluated: 2024-02-17. Review status: criteria provided, single submitter. Criteria: Invitae Variant Classification Sherloc (09022015). Collection method: clinical testing. Allele origin: germline.
Comment: This sequence change creates a premature translational stop signal (p.Gln1315*) in the SCN11A gene. It is expected to result in an absent or disrupted protein product. However, the current clinical and genetic evidence is not sufficient to establish whether loss-of-function variants in SCN11A cause disease. This variant is present in population databases (no rsID available, gnomAD 0.007%). This variant has not been reported in the literature in individuals affected with SCN11A-related conditions. In summary, the available evidence is currently insufficient to determine the role of this variant in disease. Therefore, it has been classified as a Variant of Uncertain Significance.

NM_001349253.2(SCN11A):c.3943C>T (p.Gln1315Ter)

Gene: SCN11A (sodium voltage-gated channel alpha subunit 11; minus strand). Cytogenetic location: 3p22.2.
Variant type: single nucleotide variant.
Coding change: c.3943C>T on transcript NM_001349253.2 (MANE Select); coding-DNA position 3943, C replaced by T.
Protein change: p.Gln1315Ter; replaces glutamine 1315 with a stop codon.
Molecular consequence: nonsense.
Genome position (GRCh38, 1-based): chr3:38,867,329, G>A on the plus strand (C>T on the coding strand, the complement: SCN11A is on the minus strand). VCF-style: chr3-38867329-G-A. GRCh37 (hg19) VCF-style: chr3-38908820-G-A.
Other names: c.3943C>T, p.Gln1315Ter (NM_014139.3); short protein forms Q1315*.
Identifiers: ClinVar variation 3749666 (VCV003749666.3).